The following is an entry in ClinVar:

NM_001144758.3(PHLDB1):c.1513T>A (p.Phe505Ile)

Gene: PHLDB1 (pleckstrin homology like domain family B member 1; plus strand). Cytogenetic location: 11q23.3.
Variant type: single nucleotide variant.
Coding change: c.1513T>A on transcript NM_001144758.3 (MANE Select); coding-DNA position 1513, T replaced by A.
Protein change: p.Phe505Ile; replaces phenylalanine 505 with isoleucine.
Molecular consequence: missense variant.
Genome position (GRCh38, 1-based): chr11:118,628,336, T>A. VCF-style: chr11-118628336-T-A. GRCh37 (hg19) VCF-style: chr11-118499052-T-A.
Other names: c.1513T>A, p.Phe505Ile (NM_001144759.3, NM_015157.4); short protein forms F505I.
Identifiers: ClinVar variation 4535140 (VCV004535140.6).
Genomic context (GRCh38, chr11:118,628,336, plus strand): 5'-GAAGTGGCAGAGAGTCCTCGGCCCCGGCGCTGGGCAGCCCATGGGGCTTCACCAGAGGAC[T>A]TCTCCCTGACGCTGGGGGCACGGGGCCGTAGGACACGGAGCCCCTCACCCACACTGGGTG-3'
Protein context (NP_001138230.1, residues 495-515): WAAHGASPED[Phe505Ile]SLTLGARGRR

ClinVar aggregate classification (germline): Uncertain significance (1 of 4 stars; one submission).

gnomAD v4.1: 1 of 1,612,576 alleles (0.000062%); highest among the groups gnomAD compares: Admixed American, 0.0017%; no homozygotes.

Submission:

CeGaT Center for Human Genetics Tuebingen
Classification: Uncertain significance. Last evaluated: 2025-11-01. Review status: criteria provided, single submitter. Criteria: CeGaT Center For Human Genetics Tuebingen Variant Classification Criteria Version 2. Collection method: clinical testing. Allele origin: germline. Affected: yes. Observed: 1 variant allele.
Comment: PHLDB1: PM2